The following is an entry in ClinVar:

ClinVar aggregate classification (germline): Uncertain significance (1 of 4 stars; one submission).

Allele frequency attached by ClinVar (database versions not stated): gnomAD 0.00001.
gnomAD v4.1: 3 of 1,461,124 alleles (0.00021%); highest among the groups gnomAD compares: Non-Finnish European, 0.00027%; no homozygotes.

Submission:

Labcorp Genetics (formerly Invitae), Labcorp
Classification: Uncertain significance. Last evaluated: 2020-10-19. Review status: criteria provided, single submitter. Criteria: Invitae Variant Classification Sherloc (09022015). Collection method: clinical testing. Allele origin: germline.
Comment: In summary, the available evidence is currently insufficient to determine the role of this variant in disease. Therefore, it has been classified as a Variant of Uncertain Significance. Algorithms developed to predict the effect of missense changes on protein structure and function are either unavailable or do not agree on the potential impact of this missense change (SIFT: "Deleterious"; PolyPhen-2: "Benign"; Align-GVGD: "Class C0"). This variant has not been reported in the literature in individuals with ABHD12-related conditions. The frequency data for this variant in the population databases is considered unreliable, as metrics indicate insufficient coverage at this position in the ExAC database. This sequence change replaces alanine with glycine at codon 28 of the ABHD12 protein (p.Ala28Gly). The alanine residue is moderately conserved and there is a small physicochemical difference between alanine and glycine.

NM_001042472.3(ABHD12):c.83C>G (p.Ala28Gly)

Genes: ABHD12 (abhydrolase domain containing 12, lysophospholipase; minus strand), LOC130065586 (ATAC-STARR-seq lymphoblastoid silent region 12752; plus strand). Cytogenetic location: 20p11.21.
Variant type: single nucleotide variant.
Coding change: c.83C>G on transcript NM_001042472.3 (MANE Select); coding-DNA position 83, C replaced by G.
Protein change: p.Ala28Gly; replaces alanine 28 with glycine.
Molecular consequence: missense variant.
Genome position (GRCh38, 1-based): chr20:25,390,621, G>C on the plus strand (C>G on the coding strand, the complement: ABHD12 is on the minus strand). VCF-style: chr20-25390621-G-C. GRCh37 (hg19) VCF-style: chr20-25371257-G-C.
Other names: c.83C>G, p.Ala28Gly (NM_015600.5); short protein forms A28G.
Identifiers: ClinVar variation 1062055 (VCV001062055.9), dbSNP rs1311195021, ClinGen allele CA408445225.
Genomic context (GRCh38, chr20:25,390,621, plus strand): 5'-GCCGCCGCCGGGCCCGTCAGGCGTAGGTTCTGCTTCAGGCGGCAGTCGGCGTCCAGCGCC[G>C]CGGCGGCCGAGCCGGAGGAGGACGAGCCCGCGGCGGCGCAGCGCTCATGCTCCAAGGCGA-3'
Protein context (NP_001035937.1, residues 18-38): AGSSSSGSAA[Ala28Gly]ALDADCRLKQ